The following is an entry in ClinVar:

ClinVar aggregate classification (germline): Uncertain significance (1 of 4 stars; one submission).

Conditions:
Cystic fibrosis (CF). Also called: MUCOVISCIDOSIS. Identifiers: Orphanet 586, MedGen C0010674, MONDO:0009061, OMIM 219700. Disease mechanism: loss of function.

Submission:

Labcorp Genetics (formerly Invitae), Labcorp
Classification: Uncertain significance for Cystic fibrosis. Last evaluated: 2022-06-17. Review status: criteria provided, single submitter. Criteria: Invitae Variant Classification Sherloc (09022015). Collection method: clinical testing. Allele origin: germline.
Comment: This variant results in a copy number gain of the genomic region encompassing exon(s) 22-27 of the CFTR gene. This region includes the termination codon of the gene. This copy number gain extends beyond the assayed region for this gene and therefore may encompass additional genes. As the precise location of this event is unknown, it may be in tandem or it may be located elsewhere in the genome. This variant has not been reported in the literature in individuals affected with CFTR-related conditions. Experimental studies and prediction algorithms are not available or were not evaluated, and the functional significance of this variant is currently unknown. In summary, the available evidence is currently insufficient to determine the role of this variant in disease. Therefore, it has been classified as a Variant of Uncertain Significance.

NC_000007.13:g.(?_117267556)_(117307162_?)dup

Gene: CFTR (CF transmembrane conductance regulator; plus strand). Cytogenetic location: 7q31.2.
Variant type: Duplication.
Identifiers: ClinVar variation 2423157 (VCV002423157.3).